The following is an entry in ClinVar:

NM_005499.3(UBA2):c.1401G>C (p.Lys467Asn)

Gene: UBA2 (ubiquitin like modifier activating enzyme 2; plus strand). Cytogenetic location: 19q13.11.
Variant type: single nucleotide variant.
Coding change: c.1401G>C on transcript NM_005499.3 (MANE Select); coding-DNA position 1401, G replaced by C.
Protein change: p.Lys467Asn; replaces lysine 467 with asparagine.
Molecular consequence: missense variant.
Genome position (GRCh38, 1-based): chr19:34,458,924, G>C. VCF-style: chr19-34458924-G-C. GRCh37 (hg19) VCF-style: chr19-34949829-G-C.
Other names: c.1113G>C, p.Lys371Asn (NM_001411139.1); short protein forms K371N, K467N.
Identifiers: ClinVar variation 2524099 (VCV002524099.2), dbSNP rs2513973553, ClinGen allele CA405257786.

ClinVar aggregate classification (germline): Uncertain significance (1 of 4 stars; one submission).

Conditions:
Inborn genetic diseases. Identifiers: MedGen C0950123, MeSH D030342.

Submission:

Ambry Genetics
Classification: Uncertain significance for Inborn genetic diseases. Last evaluated: 2023-04-03. Review status: criteria provided, single submitter. Criteria: Ambry Variant Classification Scheme 2023. Collection method: clinical testing. Allele origin: germline.
Comment: The c.1401G>C (p.K467N) alteration is located in exon 13 (coding exon 13) of the UBA2 gene. This alteration results from a G to C substitution at nucleotide position 1401, causing the lysine (K) at amino acid position 467 to be replaced by an asparagine (N). However, this change occurs in the last base pair of coding exon13, which makes it likely to have some effect on normal mRNA splicing. This variant was not reported in population-based cohorts in the Genome Aggregation Database (gnomAD). This nucleotide position is highly conserved in available vertebrate species. This amino acid position is well conserved in available vertebrate species. This amino acid alteration is predicted to be tolerated by in silico analysis. In silico splice site analysis predicts that this alteration will weaken the native splice donor site. Based on insufficient or conflicting evidence, the clinical significance of this alteration remains unclear.